The following is an entry in ClinVar:

ClinVar aggregate classification (germline): Uncertain significance (1 of 4 stars; one submission).

Conditions:
Multiple endocrine neoplasia, type 1 (MEN1). Also called: Endocrine adenomatosis multiple; MEN 1; MEA I; MEN I; WERMER SYNDROME. Identifiers: Orphanet 652, MedGen C0025267, MeSH D018761, MONDO:0007540, OMIM 131100.

Submission:

Labcorp Genetics (formerly Invitae), Labcorp
Classification: Uncertain significance for Multiple endocrine neoplasia, type 1. Last evaluated: 2024-01-03. Review status: criteria provided, single submitter. Criteria: Invitae Variant Classification Sherloc (09022015). Collection method: clinical testing. Allele origin: germline.
Comment: This sequence change replaces glycine, which is neutral and non-polar, with asparagine, which is neutral and polar, at codon 28 of the MEN1 protein (p.Gly28Asn). Information on the frequency of this variant in the gnomAD database is not available, as this variant may be reported differently in the database. This variant has not been reported in the literature in individuals affected with MEN1-related conditions. ClinVar contains an entry for this variant (Variation ID: 2088771). An algorithm developed to predict the effect of missense changes on protein structure and function (PolyPhen-2) suggests that this variant is likely to be tolerated. In summary, the available evidence is currently insufficient to determine the role of this variant in disease. Therefore, it has been classified as a Variant of Uncertain Significance.

NM_001370259.2(MEN1):c.82_83delinsAA (p.Gly28Asn)

Gene: MEN1 (menin 1; minus strand). Cytogenetic location: 11q13.1.
Variant type: Indel.
Coding change: c.82_83delinsAA on transcript NM_001370259.2 (MANE Select); coding-DNA positions 82 to 83, GG replaced by AA.
Protein change: p.Gly28Asn; replaces glycine 28 with asparagine.
Molecular consequence: missense variant.
Genome position (GRCh38, 1-based): chr11:64,810,027-64,810,028, CC replaced by TT on the plus strand (GG replaced by AA on the coding strand, the reverse complement: MEN1 is on the minus strand). VCF-style: chr11-64810027-CC-TT. GRCh37 (hg19) VCF-style: chr11-64577499-CC-TT.
Other names: c.82_83delinsAA, p.Gly28Asn (NM_000244.4, NM_001370251.2, NM_001370260.2 and 9 more transcripts); c.82_83delGGinsAA, p.Gly28Asn (NM_001407142.1, NM_001407143.1, NM_001407144.1 and 8 more transcripts); short protein forms G28N.
Identifiers: ClinVar variation 2088771 (VCV002088771.4), dbSNP rs2497287226, ClinGen allele CA2580084457.